The following is an entry in ClinVar:

NM_004525.3(LRP2):c.3431-6_3431-5del

Gene: LRP2 (LDL receptor related protein 2; minus strand). Cytogenetic location: 2q31.1.
Variant type: Deletion.
Coding change: c.3431-6_3431-5del on transcript NM_004525.3 (MANE Select); 6 bases into the intron before coding-DNA position 3431 through 5 bases into the intron before coding-DNA position 3431, 2 bases deleted (CA; older notation c.3431-6_3431-5delCA).
Molecular consequence: intron variant.
Genome position (GRCh38, 1-based): chr2:169,243,527-169,243,528, TG deleted on the plus strand (CA on the coding strand, the reverse complement: LRP2 is on the minus strand); deleting any 2 consecutive bases within chr2:169,243,527-169,243,529 gives the same sequence; the c. name uses the placement nearest the transcript's 3' end. VCF-style (leftmost placement, unchanged base first): chr2-169243526-ATG-A. GRCh37 (hg19) VCF-style: chr2-170100036-ATG-A.
Identifiers: ClinVar variation 785980 (VCV000785980.10), dbSNP rs763252487, ClinGen allele CA1955027.

ClinVar aggregate classification (germline): Conflicting classifications of pathogenicity. Review status: criteria provided, conflicting classifications (1 of 4 stars). 3 submissions from 3 submitters: Uncertain significance (1); Likely benign (2). Last evaluated 2025-10-01.

Conditions:
Inborn genetic diseases. Identifiers: MedGen C0950123, MeSH D030342.

Submissions (3):

Labcorp Genetics (formerly Invitae), Labcorp
Classification: Likely benign. Last evaluated: 2025-10-01. Review status: criteria provided, single submitter. Criteria: Invitae Variant Classification Sherloc (09022015). Collection method: clinical testing. Allele origin: germline.

Blueprint Genetics
Classification: Likely benign. Last evaluated: 2024-05-09. Review status: criteria provided, single submitter. Criteria: ACMG Guidelines, 2015. Collection method: clinical testing. Allele origin: germline.

Ambry Genetics
Classification: Uncertain significance for Inborn genetic diseases. Last evaluated: 2021-10-08. Review status: criteria provided, single submitter. Criteria: Ambry Variant Classification Scheme 2023. Collection method: clinical testing. Allele origin: germline.
Comment: The c.3431-6_3431-5delCA alteration is located in intron 22 of the LRP2 gene. This alteration consists of a deletion of 2 nucleotides at nucleotide position c.3431-6 to c.3431-5. Based on insufficient or conflicting evidence, the clinical significance of this alteration remains unclear.